The following is an entry in ClinVar:

ClinVar aggregate classification (germline): Likely pathogenic (1 of 4 stars; one submission).

Conditions:
Retinal dystrophy. Also called: Inherited retinal dystrophy. Identifiers: Orphanet 71862, MedGen C0854723, MeSH D058499, MONDO:0019118, HP:0000556.

Submission:

Ophthalmic Genetics Group, Institute of Molecular and Clinical Ophthalmology Basel
Classification: Likely pathogenic for Retinal dystrophy. Last evaluated: 2024-05-27. Review status: criteria provided, single submitter. Criteria: ACMG Guidelines, 2015. Collection method: research. Allele origin: germline. Affected: yes. Observed: 6 variant alleles.
Comment: This variant was classified as Likely pathogenic based on ACMG criteria: PM2_sup, PM4_mod, and PP1_strong

Literature cited by the submitters: PubMed 40180963.

NM_144499.3(GNAT1):c.1053A>G (p.Ter351Trp)

Gene: GNAT1 (G protein subunit alpha transducin 1; plus strand). Cytogenetic location: 3p21.31.
Variant type: single nucleotide variant.
Coding change: c.1053A>G on transcript NM_144499.3 (MANE Select); coding-DNA position 1053, A replaced by G.
Protein change: p.Ter351Trp.
Molecular consequence: stop lost.
Genome position (GRCh38, 1-based): chr3:50,194,955, A>G. VCF-style: chr3-50194955-A-G. GRCh37 (hg19) VCF-style: chr3-50232388-A-G.
Other names: NC_000003.11:g.50232388A>G; NP_653082.1:p.(Ter351TrpextTer3); c.1053A>G, p.Ter351Trp (NM_000172.4).
Identifiers: ClinVar variation 3381794 (VCV003381794.2).
Genomic context (GRCh38, chr3:50,194,955, plus strand): 5'-CTTCGACGCTGTCACCGACATCATCATCAAGGAGAACCTCAAAGACTGTGGCCTCTTCTG[A>G]GGTAGGTCGCTGCCCTCTCCAGGCTCTTGCCTCAATACCCCAGCCCCGTCCAGCTCCCCA-3'